The following is an entry in ClinVar:

NM_000179.3(MSH6):c.3533G>T (p.Gly1178Val)

Gene: MSH6 (mutS homolog 6; plus strand). Cytogenetic location: 2p16.3.
Variant type: single nucleotide variant.
Coding change: c.3533G>T on transcript NM_000179.3 (MANE Select); coding-DNA position 3533, G replaced by T.
Protein change: p.Gly1178Val; replaces glycine 1178 with valine.
Molecular consequence: missense variant.
Genome position (GRCh38, 1-based): chr2:47,805,004, G>T. VCF-style: chr2-47805004-G-T. GRCh37 (hg19) VCF-style: chr2-48032143-G-T.
Other names: c.3143G>T, p.Gly1048Val (NM_001281492.2); c.2627G>T, p.Gly876Val (NM_001281493.2, NM_001281494.2, NM_001406811.1 and 6 more transcripts); c.3629G>T, p.Gly1210Val (NM_001406795.1, NM_001406802.1); c.3533G>T, p.Gly1178Val (NM_001406796.1, NM_001406800.1, NM_001406808.1 and 1 more transcripts); c.3236G>T, p.Gly1079Val (NM_001406797.1, NM_001406801.1, NM_001406805.1 and 10 more transcripts); c.3359G>T, p.Gly1120Val (NM_001406798.1); c.3008G>T, p.Gly1003Val (NM_001406799.1, NM_001406806.1, NM_001406807.1); c.2669G>T, p.Gly890Val (NM_001406803.1); and 7 more; short protein forms G1048V, G1178V, G127V, G656V, G105V, G1152V, G876V, G1003V.
Identifiers: ClinVar variation 1732383 (VCV001732383.8), dbSNP rs772380953, ClinGen allele CA346760235.

ClinVar aggregate classification (germline): Uncertain significance. Review status: criteria provided, multiple submitters, no conflicts (2 of 4 stars). 3 submissions from 3 submitters: Uncertain significance (3). Last evaluated 2024-11-24.

Conditions:
Hereditary nonpolyposis colorectal neoplasms. Identifiers: MedGen C0009405, MeSH D003123.
Hereditary cancer-predisposing syndrome. Also called: Neoplastic Syndromes, Hereditary; Tumor predisposition; Hereditary Cancer Syndrome; Hereditary neoplastic syndrome. Identifiers: Orphanet 140162, MedGen C0027672, MeSH D009386, MONDO:0015356.

Submissions (3):

Labcorp Genetics (formerly Invitae), Labcorp
Classification: Uncertain significance for Hereditary nonpolyposis colorectal neoplasms. Last evaluated: 2024-11-24. Review status: criteria provided, single submitter. Criteria: Invitae Variant Classification Sherloc (09022015). Collection method: clinical testing. Allele origin: germline.
Comment: This sequence change replaces glycine, which is neutral and non-polar, with valine, which is neutral and non-polar, at codon 1178 of the MSH6 protein (p.Gly1178Val). This variant is not present in population databases (gnomAD no frequency). This variant has not been reported in the literature in individuals affected with MSH6-related conditions. ClinVar contains an entry for this variant (Variation ID: 1732383). Invitae Evidence Modeling of protein sequence and biophysical properties (such as structural, functional, and spatial information, amino acid conservation, physicochemical variation, residue mobility, and thermodynamic stability) indicates that this missense variant is expected to disrupt MSH6 protein function with a positive predictive value of 80%. In summary, the available evidence is currently insufficient to determine the role of this variant in disease. Therefore, it has been classified as a Variant of Uncertain Significance.

Color Diagnostics, LLC DBA Color Health
Classification: Uncertain significance for Hereditary cancer-predisposing syndrome. Last evaluated: 2024-03-11. Review status: criteria provided, single submitter. Criteria: ACMG Guidelines, 2015. Collection method: clinical testing. Allele origin: germline.
Comment: This missense variant replaces glycine with valine at codon 1178 of the MSH6 protein. Computational prediction suggests that this variant may have deleterious impact on protein structure and function (internally defined REVEL score threshold >= 0.7, PMID: 27666373). To our knowledge, functional studies have not been reported for this variant. This variant has not been reported in individuals affected with MSH6-related disorders in the literature. This variant has not been identified in the general population by the Genome Aggregation Database (gnomAD). The available evidence is insufficient to determine the role of this variant in disease conclusively. Therefore, this variant is classified as a Variant of Uncertain Significance.

Ambry Genetics
Classification: Uncertain significance for Hereditary cancer-predisposing syndrome. Last evaluated: 2022-01-06. Review status: criteria provided, single submitter. Criteria: Ambry Variant Classification Scheme 2023. Collection method: clinical testing. Allele origin: germline.
Comment: The p.G1178V variant (also known as c.3533G>T), located in coding exon 6 of the MSH6 gene, results from a G to T substitution at nucleotide position 3533. The glycine at codon 1178 is replaced by valine, an amino acid with dissimilar properties. This amino acid position is highly conserved in available vertebrate species. In addition, this alteration is predicted to be deleterious by in silico analysis. Since supporting evidence is limited at this time, the clinical significance of this alteration remains unclear.